The following is an entry in ClinVar:

NM_003982.4(SLC7A7):c.1406C>G (p.Pro469Arg)

Gene: SLC7A7 (solute carrier family 7 member 7; minus strand). Cytogenetic location: 14q11.2.
Variant type: single nucleotide variant.
Coding change: c.1406C>G on transcript NM_003982.4 (MANE Select); coding-DNA position 1406, C replaced by G.
Protein change: p.Pro469Arg; replaces proline 469 with arginine.
Molecular consequence: missense variant.
Genome position (GRCh38, 1-based): chr14:22,773,956, G>C on the plus strand (C>G on the coding strand, the complement: SLC7A7 is on the minus strand). VCF-style: chr14-22773956-G-C. GRCh37 (hg19) VCF-style: chr14-23243165-G-C.
Other names: c.1406C>G, p.Pro469Arg (NM_001126105.3, NM_001126106.4); short protein forms P469R.
Identifiers: ClinVar variation 1980209 (VCV001980209.3), dbSNP rs142739200, ClinGen allele CA388921110.

ClinVar aggregate classification (germline): Uncertain significance (1 of 4 stars; one submission).

Conditions:
Lysinuric protein intolerance (LPI). Identifiers: Orphanet 470, MedGen C0268647, MONDO:0009109, OMIM 222700.

gnomAD v4.1: 1 of 1,614,150 alleles (0.000062%); no homozygotes.

Submission:

Labcorp Genetics (formerly Invitae), Labcorp
Classification: Uncertain significance for Lysinuric protein intolerance. Last evaluated: 2025-01-27. Review status: criteria provided, single submitter. Criteria: Invitae Variant Classification Sherloc (09022015). Collection method: clinical testing. Allele origin: germline.
Comment: This sequence change replaces proline, which is neutral and non-polar, with arginine, which is basic and polar, at codon 469 of the SLC7A7 protein (p.Pro469Arg). This variant is present in population databases (no rsID available, gnomAD 0.0009%). This variant has not been reported in the literature in individuals affected with SLC7A7-related conditions. ClinVar contains an entry for this variant (Variation ID: 1980209). An algorithm developed to predict the effect of missense changes on protein structure and function (PolyPhen-2) suggests that this variant is likely to be disruptive. In summary, the available evidence is currently insufficient to determine the role of this variant in disease. Therefore, it has been classified as a Variant of Uncertain Significance.